The following is an entry in ClinVar:

NM_007294.4(BRCA1):c.5466T>A (p.His1822Gln)

Gene: BRCA1 (BRCA1 DNA repair associated; minus strand). Cytogenetic location: 17q21.31.
Variant type: single nucleotide variant.
Coding change: c.5466T>A on transcript NM_007294.4 (MANE Select); coding-DNA position 5466, T replaced by A.
Protein change: p.His1822Gln; replaces histidine 1822 with glutamine.
Molecular consequence: missense variant. On other transcripts: non-coding transcript variant (1).
Genome position (GRCh38, 1-based): chr17:43,047,644, A>T on the plus strand (T>A on the coding strand, the complement: BRCA1 is on the minus strand). VCF-style: chr17-43047644-A-T. GRCh37 (hg19) VCF-style: chr17-41199661-A-T.
Other names: c.2031T>A, p.His677Gln (NM_001408441.1, NM_001408442.1, NM_001408443.1 and 10 more transcripts); c.2028T>A, p.His676Gln (NM_001408445.1, NM_001408446.1, NM_001408447.1 and 2 more transcripts); c.2022T>A, p.His674Gln (NM_001408451.1); c.1944T>A, p.His648Gln (NM_001408482.1, NM_001408483.1, NM_001408484.1 and 5 more transcripts); c.1941T>A, p.His647Gln (NM_001408492.1, NM_001408493.1); c.1917T>A, p.His639Gln (NM_001408494.1); c.1890T>A, p.His630Gln (NM_001408504.1, NM_001408502.1, NM_001408503.1); c.1887T>A, p.His629Gln (NM_001408505.1); and 83 more; short protein forms C694S, H1775Q, H1822Q, H718Q, H1843Q, C1750S, C1757S, H1526Q.
Identifiers: ClinVar variation 868523 (VCV000868523.3), dbSNP rs886052975, ClinGen allele CA10590423.

Conditions:
Breast-ovarian cancer, familial, susceptibility to, 1 (BROVCA1). Also called: BRCA1 Hereditary Breast and Ovarian Cancer; OVARIAN CANCER, SUSCEPTIBILITY TO. Identifiers: Orphanet 145, MedGen C2676676, MONDO:0011450, OMIM 604370. Disease mechanism: loss of function.

Submission:

Brotman Baty Institute, University of Washington
No classification provided (evidence only). Condition: Breast-ovarian cancer, familial 1. Review status: no classification provided. Collection method: in vitro. Allele origin: not applicable. Functional consequence: functionally_normal.
ClinVar note: "not provided" was previously submitted as the classification for the variant. However, the classification appeared to be based only on an observation of functional data so it was converted to no classification on 2025-07-30.